The following is an entry in ClinVar:

NM_021072.4(HCN1):c.1231T>A (p.Tyr411Asn)

Gene: HCN1 (hyperpolarization activated cyclic nucleotide gated potassium channel 1; minus strand). Cytogenetic location: 5p12.
Variant type: single nucleotide variant.
Coding change: c.1231T>A on transcript NM_021072.4 (MANE Select); coding-DNA position 1231, T replaced by A.
Protein change: p.Tyr411Asn; replaces tyrosine 411 with asparagine.
Molecular consequence: missense variant.
Genome position (GRCh38, 1-based): chr5:45,353,246, A>T on the plus strand (T>A on the coding strand, the complement: HCN1 is on the minus strand). VCF-style: chr5-45353246-A-T. GRCh37 (hg19) VCF-style: chr5-45353348-A-T.
Other names: short protein forms Y411N.
Identifiers: ClinVar variation 4747461 (VCV004747461.1).

ClinVar aggregate classification (germline): Uncertain significance (1 of 4 stars; one submission).

Conditions:
Early-infantile DEE. Also called: Ohtahara syndrome; Early infantile epileptic encephalopathy with suppression bursts; Early infantile epileptic encephalopathy. Identifiers: Orphanet 1934, MedGen C0393706, MONDO:0800491.

Submission:

Labcorp Genetics (formerly Invitae), Labcorp
Classification: Uncertain significance for Early-infantile DEE. Last evaluated: 2025-09-08. Review status: criteria provided, single submitter. Criteria: Invitae Variant Classification Sherloc (09022015). Collection method: clinical testing. Allele origin: germline.
Comment: This sequence change replaces tyrosine, which is neutral and polar, with asparagine, which is neutral and polar, at codon 411 of the HCN1 protein (p.Tyr411Asn). This variant is not present in population databases (gnomAD no frequency). This variant has not been reported in the literature in individuals affected with HCN1-related conditions. Invitae Evidence Modeling of protein sequence and biophysical properties (such as structural, functional, and spatial information, amino acid conservation, physicochemical variation, residue mobility, and thermodynamic stability) has been performed for this missense variant. However, the output from this modeling did not meet the statistical confidence thresholds required to predict the impact of this variant on HCN1 protein function. In summary, the available evidence is currently insufficient to determine the role of this variant in disease. Therefore, it has been classified as a Variant of Uncertain Significance.